The following is an entry in ClinVar:

NM_015559.3(SETBP1):c.109C>T (p.Pro37Ser)

Gene: SETBP1 (SET binding protein 1; plus strand). Cytogenetic location: 18q12.3.
Variant type: single nucleotide variant.
Coding change: c.109C>T on transcript NM_015559.3 (MANE Select); coding-DNA position 109, C replaced by T.
Protein change: p.Pro37Ser; replaces proline 37 with serine.
Molecular consequence: missense variant.
Genome position (GRCh38, 1-based): chr18:44,701,455, C>T. VCF-style: chr18-44701455-C-T. GRCh37 (hg19) VCF-style: chr18-42281420-C-T.
Other names: c.109C>T, p.Pro37Ser (NM_001130110.2, NM_001379141.1, NM_001379142.1); short protein forms P37S.
Identifiers: ClinVar variation 1476862 (VCV001476862.6), dbSNP rs985954731, ClinGen allele CA402481454.
Genomic context (GRCh38, chr18:44,701,455, plus strand): 5'-TCAGACTTCCTGCCGGTCTCCTCAGCCAAGCCCCCAGCTGCTCCTGGCTGTGCAGGAGAA[C>T]CTTTGCTCTCCACTCCAGGACCTGGGAAGGGGATCCCGGTGGGCGGAGAGCGCATGGAGC-3'
Protein context (NP_056374.2, residues 27-47): PPAAPGCAGE[Pro37Ser]LLSTPGPGKG

ClinVar aggregate classification (germline): Uncertain significance (1 of 4 stars; one submission).

Submission:

Labcorp Genetics (formerly Invitae), Labcorp
Classification: Uncertain significance. Last evaluated: 2022-07-06. Review status: criteria provided, single submitter. Criteria: Invitae Variant Classification Sherloc (09022015). Collection method: clinical testing. Allele origin: germline.
Comment: This sequence change replaces proline, which is neutral and non-polar, with serine, which is neutral and polar, at codon 37 of the SETBP1 protein (p.Pro37Ser). This variant is not present in population databases (gnomAD no frequency). This variant has not been reported in the literature in individuals affected with SETBP1-related conditions. ClinVar contains an entry for this variant (Variation ID: 1476862). Algorithms developed to predict the effect of missense changes on protein structure and function output the following: SIFT: "Deleterious"; PolyPhen-2: "Benign"; Align-GVGD: "Class C0". The serine amino acid residue is found in multiple mammalian species, which suggests that this missense change does not adversely affect protein function. In summary, the available evidence is currently insufficient to determine the role of this variant in disease. Therefore, it has been classified as a Variant of Uncertain Significance.